The following is an entry in ClinVar:

NM_000091.5(COL4A3):c.1576-2A>C

Genes: COL4A3 (collagen type IV alpha 3 chain; plus strand), MFF-DT (MFF divergent transcript; minus strand). Cytogenetic location: 2q36.3.
Variant type: single nucleotide variant.
Coding change: c.1576-2A>C on transcript NM_000091.5 (MANE Select); the canonical splice acceptor site of the intron before coding-DNA position 1576, A replaced by C.
Molecular consequence: splice acceptor variant.
Genome position (GRCh38, 1-based): chr2:227,270,768, A>C. VCF-style: chr2-227270768-A-C. GRCh37 (hg19) VCF-style: chr2-228135484-A-C.
Identifiers: ClinVar variation 958388 (VCV000958388.8), dbSNP rs1291012482, ClinGen allele CA350871449.

ClinVar aggregate classification (germline): Likely pathogenic (1 of 4 stars; one submission).

Submission:

Labcorp Genetics (formerly Invitae), Labcorp
Classification: Likely pathogenic. Last evaluated: 2019-07-22. Review status: criteria provided, single submitter. Criteria: Invitae Variant Classification Sherloc (09022015). Collection method: clinical testing. Allele origin: germline.
Comment: This variant is not present in population databases (ExAC no frequency). This sequence change affects an acceptor splice site in intron 24 of the COL4A3 gene. It is expected to disrupt RNA splicing and likely results in an absent or disrupted protein product. This variant has not been reported in the literature in individuals with COL4A3-related conditions. Algorithms developed to predict the effect of sequence changes on RNA splicing suggest that this variant may disrupt the consensus splice site, but this prediction has not been confirmed by published transcriptional studies. Donor and acceptor splice site variants typically lead to a loss of protein function (PMID: 16199547), and loss-of-function variants in COL4A3 are known to be pathogenic (PMID: 8956999, 24854265, 26809805, 27281700). In summary, the currently available evidence indicates that the variant is pathogenic, but additional data are needed to prove that conclusively. Therefore, this variant has been classified as Likely Pathogenic.

Literature cited by the submitters: PubMed 16199547; PubMed 8956999; PubMed 24854265; PubMed 26809805; PubMed 27281700.